The following is an entry in ClinVar:

ClinVar aggregate classification (germline): Uncertain significance. Review status: criteria provided, multiple submitters, no conflicts (2 of 4 stars). 2 submissions from 2 submitters: Uncertain significance (2). Last evaluated 2025-03-06.

Conditions:
Idiopathic generalized epilepsy. Also called: Generalised epilepsy; EIG. Identifiers: MedGen C0270850, MONDO:0005579, OMIM 600669.
Hyperaldosteronism, familial, type IV (HALD4). Also called: FH IV; ALDOSTERONISM, PRIMARY, AND HYPERTENSION. Identifiers: Orphanet 642671, MedGen C4310756, MONDO:0014875, OMIM 617027.
Epilepsy, childhood absence, susceptibility to, 6. Identifiers: Orphanet 64280, MedGen C2749872, MONDO:0012763, OMIM 611942.

gnomAD v4.1: 8 of 1,558,448 alleles (0.00051%); highest among the groups gnomAD compares: Admixed American, 0.0058%; no homozygotes.

Submissions (2):

Labcorp Genetics (formerly Invitae), Labcorp
Classification: Uncertain significance for Idiopathic generalized epilepsy; Hyperaldosteronism, familial, type IV. Last evaluated: 2025-03-06. Review status: criteria provided, single submitter. Criteria: Invitae Variant Classification Sherloc (09022015). Collection method: clinical testing. Allele origin: germline.
Comment: This sequence change replaces alanine, which is neutral and non-polar, with threonine, which is neutral and polar, at codon 1878 of the CACNA1H protein (p.Ala1878Thr). The frequency data for this variant in the population databases is considered unreliable, as metrics indicate poor data quality at this position in the gnomAD database. This variant has not been reported in the literature in individuals affected with CACNA1H-related conditions. ClinVar contains an entry for this variant (Variation ID: 3578396). Invitae Evidence Modeling of protein sequence and biophysical properties (such as structural, functional, and spatial information, amino acid conservation, physicochemical variation, residue mobility, and thermodynamic stability) indicates that this missense variant is not expected to disrupt CACNA1H protein function with a negative predictive value of 80%. In summary, the available evidence is currently insufficient to determine the role of this variant in disease. Therefore, it has been classified as a Variant of Uncertain Significance.

Fulgent Genetics
Classification: Uncertain significance for Epilepsy, childhood absence, susceptibility to, 6; Hyperaldosteronism, familial, type IV. Last evaluated: 2024-03-20. Review status: criteria provided, single submitter. Criteria: ACMG Guidelines, 2015. Collection method: clinical testing. Allele origin: germline.

NM_021098.3(CACNA1H):c.5632G>A (p.Ala1878Thr)

Gene: CACNA1H (calcium voltage-gated channel subunit alpha1 H; plus strand). Cytogenetic location: 16p13.3.
Variant type: single nucleotide variant.
Coding change: c.5632G>A on transcript NM_021098.3 (MANE Select); coding-DNA position 5632, G replaced by A.
Protein change: p.Ala1878Thr; replaces alanine 1878 with threonine.
Molecular consequence: missense variant.
Genome position (GRCh38, 1-based): chr16:1,218,396, G>A. VCF-style: chr16-1218396-G-A. GRCh37 (hg19) VCF-style: chr16-1268396-G-A.
Other names: c.5614G>A, p.Ala1872Thr (NM_001005407.2); short protein forms A1878T, A1872T.
Identifiers: ClinVar variation 3578396 (VCV003578396.3).